The following is an entry in ClinVar:

NM_006915.3(RP2):c.883G>T (p.Gly295Cys)

Gene: RP2 (RP2 activator of ARL3 GTPase; plus strand). Cytogenetic location: Xp11.3.
Variant type: single nucleotide variant.
Coding change: c.883G>T on transcript NM_006915.3 (MANE Select); coding-DNA position 883, G replaced by T.
Protein change: p.Gly295Cys; replaces glycine 295 with cysteine.
Molecular consequence: missense variant.
Genome position (GRCh38, 1-based): chrX:46,860,102, G>T. VCF-style: chrX-46860102-G-T. GRCh37 (hg19) VCF-style: chrX-46719537-G-T.
Other names: short protein forms G295C.
Identifiers: ClinVar variation 3720690 (VCV003720690.2).
Genomic context (GRCh38, chrX:46,860,102, plus strand): 5'-GAGGATGCTCAAAGGGTTTTTCGGGAAAAAGCACCTGACTTCCTTCCTCTTCTGAACAAA[G>T]GTACCTTCTGGATGATTGGTATACTTTTGTGGATATTTTCTTTACATGCTGATTTGATTT-3'
Protein context (NP_008846.2, residues 285-305): APDFLPLLNK[Gly295Cys]PVIALEFNGD

ClinVar aggregate classification (germline): Uncertain significance (1 of 4 stars; one submission).

Submission:

Labcorp Genetics (formerly Invitae), Labcorp
Classification: Uncertain significance. Last evaluated: 2025-01-16. Review status: criteria provided, single submitter. Criteria: Invitae Variant Classification Sherloc (09022015). Collection method: clinical testing. Allele origin: germline.
Comment: This sequence change replaces glycine, which is neutral and non-polar, with cysteine, which is neutral and slightly polar, at codon 295 of the RP2 protein (p.Gly295Cys). This variant also falls at the last nucleotide of exon 3, which is part of the consensus splice site for this exon. This variant is not present in population databases (gnomAD no frequency). This variant has not been reported in the literature in individuals affected with RP2-related conditions. Invitae Evidence Modeling of protein sequence and biophysical properties (such as structural, functional, and spatial information, amino acid conservation, physicochemical variation, residue mobility, and thermodynamic stability) has been performed for this missense variant. However, the output from this modeling did not meet the statistical confidence thresholds required to predict the impact of this variant on RP2 protein function. Variants that disrupt the consensus splice site are a relatively common cause of aberrant splicing (PMID: 17576681, 9536098). Algorithms developed to predict the effect of sequence changes on RNA splicing suggest that this variant may disrupt the consensus splice site. In summary, the available evidence is currently insufficient to determine the role of this variant in disease. Therefore, it has been classified as a Variant of Uncertain Significance.

Literature cited by the submitters: PubMed 17576681; PubMed 9536098.